The following is an entry in ClinVar:

NM_000218.3(KCNQ1):c.217C>A (p.Pro73Thr)

Gene: KCNQ1 (potassium voltage-gated channel subfamily Q member 1; plus strand). Cytogenetic location: 11p15.5.
Variant type: single nucleotide variant.
Coding change: c.217C>A on transcript NM_000218.3 (MANE Select); coding-DNA position 217, C replaced by A.
Protein change: p.Pro73Thr; replaces proline 73 with threonine.
Molecular consequence: missense variant.
Genome position (GRCh38, 1-based): chr11:2,445,315, C>A. VCF-style: chr11-2445315-C-A. GRCh37 (hg19) VCF-style: chr11-2466545-C-A.
Other names: NM_000218.3(KCNQ1):c.217C>A; c.217C>A (LRG_287t1); short protein forms P73T.
Identifiers: ClinVar variation 53031 (VCV000053031.32), dbSNP rs199472676, ClinGen allele CA006724.

ClinVar aggregate classification (germline): Uncertain significance. Review status: reviewed by expert panel (3 of 4 stars). 17 submissions from 16 submitters: Uncertain significance (1). 16 of the submissions do not count toward it. Last evaluated 2025-07-01.

Conditions:
Cardiovascular phenotype. Identifiers: MedGen CN230736.
KCNQ1-related disorder. Also called: KCNQ1-related condition; KCNQ1-related disorders. Identifiers: MedGen CN239322.
Familial long QT syndrome (RWS). Also called: Congenital long QT syndrome; Romano-Ward syndrome; VENTRICULAR FIBRILLATION WITH PROLONGED QT INTERVAL. Identifiers: Orphanet 768, MedGen C1141890, MONDO:0019171.
Atrial fibrillation, familial, 3 (ATFB3). Identifiers: MedGen C1837014, MONDO:0011857, OMIM 607554.
Long QT syndrome 1 (LQT1). Identifiers: Orphanet 101016, Orphanet 768, MedGen C4551647, MONDO:0100316, OMIM 192500, MONDO:0008646.
Beckwith-Wiedemann syndrome (BWS). Also called: Exomphalos macroglossia gigantism syndrome; EMG SYNDROME. Identifiers: Orphanet 116, MedGen C0004903, MONDO:0007534, OMIM 130650.
Jervell and Lange-Nielsen syndrome 1 (JLNS1). Also called: CARDIOAUDITORY SYNDROME OF JERVELL AND LANGE-NIELSEN; DEAFNESS, CONGENITAL, AND FUNCTIONAL HEART DISEASE; PROLONGED QT INTERVAL IN EKG AND SUDDEN DEATH; SURDO-CARDIAC SYNDROME. Identifiers: Orphanet 768, Orphanet 90647, MedGen C4551509, MONDO:0024540, OMIM 220400.
Short QT syndrome type 2. Identifiers: Orphanet 51083, MedGen C1865019, MONDO:0012313, OMIM 609621.
Long QT syndrome (LQTS). Identifiers: MedGen C0023976, MeSH D008133, MONDO:0002442. Disease mechanism: loss of function. Inheritance: Various modes of inheritance.

Allele frequency attached by ClinVar (database versions not stated): gnomAD exomes 0.00015 and 0.00022; TOPMed 0.00009; ExAC 0.00040.
gnomAD v4.1: 304 of 1,504,516 alleles (0.02%); highest among the groups gnomAD compares: Non-Finnish European, 0.025%; no homozygotes.

Submissions 1 to 5 of 17:

ClinGen Potassium Channel Arrhythmia Variant Curation Expert Panel, ClinGen
Classification: Uncertain significance for Long QT syndrome 1. Last evaluated: 2025-07-01. Review status: reviewed by expert panel. Criteria: ClinGen KChannel ACMG Specifications KCNQ1 V1.0.0 2. Collection method: curation. Allele origin: germline. Inheritance: Autosomal dominant inheritance.
Comment: NM_000218.3(KCNQ1):c.217C>A (p.Pro73Thr) is a missense variant that causes substitution of proline with threonine at amino acid 73. This variant is present in gnomAD v.4.1.0 at a maximum allele frequency of 0.0002533, with 287 alleles / 1132988 total alleles in the European non-Finnish population, which is higher than the ClinGen Potassium Channel Arrhythmia VCEP PM2_Supporting threshold of <0.00001, but lower than the BS1 threshold of >0.0004, so neither criterion is met. This variant is rare and has been reported in at least 4 apparently unrelated probands affected with long QT syndrome 1 (PS4_Moderate; PMID: 15840476, PMID: 19716085, PMID: 22949429, PMID: 24606995, PMID: 20851114). The variant has been reported to segregate with long QT syndrome 1 through a proband and 1 affected family member (PMID: 26743238), which is not sufficient to meet PP1. This variant has been observed in 1 patient with an alternate molecular basis for disease (NM_000335.5(SCN5A):c.1231G>A (p.Val411Met)) with a phenotype that matches long QT syndrome 3 (BP5; PMID: 28588847, PMID: 23098067). This variant has also been observed in 1 patient with additional variants in KCNQ1 present both in cis (NM_000218.3(KCNQ1):c.502G>A (p.Gly168Arg)) and in trans (listed as p.Asp454Thrfs*7) providing an alternate molecular basis for disease (PMID: 24667783), however, BP5 is only applicable when the phenotypes match another form of LQTS. The computational predictor REVEL gives a score of 0.566, which is below the ClinGen Potassium Channel Arrhythmia VCEP PP3 threshold of >0.75 but higher than the BP4 threshold of <0.25 and does not strongly predict a damaging effect on KCNQ1 function. The computational splicing predictor SpliceAI gives a score of 0.01 for donor gain, which is lower than the ClinGen Potassium Channel Arrhythmia VCEP PP3 threshold of >0.5 and does not strongly predict a damaging effect on KCNQ1 splicing. The Meiler Lab functional impact predictor was unable to generate a prediction of functional impact for this variant due to a limitation of the model and the unavailability of secondary structure at this residue (PMID: 29021305), so neither PS3_Supporting nor BS3_Supporting was met. In summary, this variant meets the criteria to be classified as a variant of uncertain significance for long QT syndrome 1 based on the ACMG/AMP criteria applied, as specified by the ClinGen Potassium Channel Arrhythmia VCEP: PS4_Moderate, BP5. (VCEP specifications version 1.0.0; date of approval 03/04/2025).

PreventionGenetics, part of Exact Sciences
Classification: Uncertain significance for KCNQ1-related condition. Last evaluated: 2026-07-13. Review status: criteria provided, single submitter. Criteria: ACMG Guidelines, 2015. Collection method: clinical testing. Allele origin: germline. Not counted in ClinVar's aggregate classification.
Comment: The KCNQ1 c.217C>A variant is predicted to result in the amino acid substitution p.Pro73Thr. This variant has been reported in multiple individuals with long QT syndrome or Romano-Ward syndrome, and has been reported to segregate with the condition in one family (Tester et al. 2005. PubMed ID: 15840476; Christiansen et al. 2014. PubMed ID: 24606995; Supplemental Table 1, Adler et al. 2016. PubMed ID: 26743238). However, it has also been noted in multiple individuals who also carried an alternate variant associated with the disorder (Magnusson et al. 2017. PubMed ID: 28588847; Müllertz et al. 2018. PubMed ID: 29598884; Marschall et al. 2019. PubMed ID: 31737537) and in an individual with childhood long QT syndrome, but was not observed to segregate with disease (Simma et al. 2020. PubMed ID: 33181513). The variant is located in the cytoplasmic N-terminus in which other pathogenic missense variants are common (Dahimène et al. 2006. PubMed ID: 17053194). This variant is reported in 0.024% of alleles in individuals of European (non-Finnish) descent in gnomAD. This variant has conflicting classifications listed in ClinVar ranging from likely benign to uncertain (Variation ID: 53031). At this time, the clinical significance of this variant is uncertain due to the absence of conclusive functional and genetic evidence.

GeneDx
Classification: Uncertain significance. Last evaluated: 2025-12-10. Review status: criteria provided, single submitter. Criteria: GeneDx Variant Classification Process June 2021. Collection method: clinical testing. Allele origin: germline. Affected: yes. Not counted in ClinVar's aggregate classification.
Comment: Reported in association with LQTS (PMID: 15840476, 20851114, 23098067, 24606995, 26743238); Also reported in individuals who harbor an additional pathogenic variant that could explain their phenotype (PMID: 24667783, 29598884, 28588847); In silico analysis suggests that this missense variant does not alter protein structure/function; This variant is associated with the following publications: (PMID: 24606995, 23098067, 19716085, 25351510, 22949429, 19862833, 19841300, 26633542, 20851114, 26986070, 28595573, 28588847, 28988457, 29197658, 29598884, 33181513, 31737537, 24667783, 15840476, 26743238, 22581653, 32048431, RidaM2023[Preprint], 37937776, 37449562)

Molecular Diagnostic Laboratory for Inherited Cardiovascular Disease, Montreal Heart Institute
Classification: Uncertain significance for Cardiovascular phenotype. Last evaluated: 2025-04-08. Review status: criteria provided, single submitter. Criteria: ACMG Guidelines, 2015. Collection method: clinical testing. Allele origin: germline. Affected: yes. Not counted in ClinVar's aggregate classification.
Comment: PS4_sup,PM1_sup,PP2,BP2,BP4

Labcorp Genetics (formerly Invitae), Labcorp
Classification: Uncertain significance for Long QT syndrome. Last evaluated: 2025-02-02. Review status: criteria provided, single submitter. Criteria: Invitae Variant Classification Sherloc (09022015). Collection method: clinical testing. Allele origin: germline. Not counted in ClinVar's aggregate classification.
Comment: This sequence change replaces proline, which is neutral and non-polar, with threonine, which is neutral and polar, at codon 73 of the KCNQ1 protein (p.Pro73Thr). This variant is present in population databases (rs199472676, gnomAD 0.03%). This missense change has been observed in individual(s) with clinical features of KCNQ1-related conditions (PMID: 15840476, 19716085, 22949429, 24606995, 24667783, 26743238, 28588847). ClinVar contains an entry for this variant (Variation ID: 53031). Invitae Evidence Modeling of protein sequence and biophysical properties (such as structural, functional, and spatial information, amino acid conservation, physicochemical variation, residue mobility, and thermodynamic stability) indicates that this missense variant is not expected to disrupt KCNQ1 protein function with a negative predictive value of 95%. In summary, the available evidence is currently insufficient to determine the role of this variant in disease. Therefore, it has been classified as a Variant of Uncertain Significance.